The following is an entry in ClinVar:

NM_033064.5(ATCAY):c.*1423T>A

Gene: ATCAY (ATCAY kinesin light chain interacting caytaxin; plus strand). Cytogenetic location: 19p13.3.
Variant type: single nucleotide variant.
Coding change: c.*1423T>A on transcript NM_033064.5 (MANE Select); 1423 bases downstream of the stop codon, T replaced by A.
Molecular consequence: 3 prime UTR variant.
Genome position (GRCh38, 1-based): chr19:3,926,015, T>A. VCF-style: chr19-3926015-T-A. GRCh37 (hg19) VCF-style: chr19-3926013-T-A.
Identifiers: ClinVar variation 329181 (VCV000329181.6), dbSNP rs184437292, ClinGen allele CA10642797.
Genomic context (GRCh38, chr19:3,926,015, plus strand): 5'-CAAGATCGTGCCACTGCATTCCAGCCTGGGCGACAGAGCAAGACTCTGTCTCAAAAAAAA[T>A]AAAAAATAATCAGGGCACAGTGGCTCATGCCTGTAATCCCAGCACTCTGGGAGGCTGAGG-3'

ClinVar aggregate classification (germline): Benign. Review status: criteria provided, multiple submitters, no conflicts (2 of 4 stars). 2 submissions from 2 submitters: Benign (2). Last evaluated 2018-01-13.

Conditions:
Cayman type cerebellar ataxia. Also called: Cayman ataxia. Identifiers: Orphanet 94122, MedGen C1832585, MONDO:0011025, OMIM 601238.

Allele frequency attached by ClinVar (database versions not stated): gnomAD exomes 0.01333; TOPMed 0.01433; gnomAD 0.01635 and 0.01708; 1000 Genomes Project 30x 0.02061; 1000 Genomes Project 0.02137.

Submissions (2):

Illumina Laboratory Services, Illumina
Classification: Benign for Cayman type cerebellar ataxia. Last evaluated: 2018-01-13. Review status: criteria provided, single submitter. Criteria: ICSL Variant Classification Criteria 13 December 2019. Collection method: clinical testing. Allele origin: germline.
Comment: This variant was observed in the ICSL laboratory as part of a predisposition screen in an ostensibly healthy population. It had not been previously curated by ICSL or reported in the Human Gene Mutation Database (HGMD: prior to June 1st, 2018), and was therefore a candidate for classification through an automated scoring system. Utilizing variant allele frequency, disease prevalence and penetrance estimates, and inheritance mode, an automated score was calculated to assess if this variant is too frequent to cause the disease. Based on the score and internal cut-off values, a variant classified as benign is not then subjected to further curation. The score for this variant resulted in a classification of benign for this disease.

Breakthrough Genomics
Classification: Benign. Review status: criteria provided, single submitter. Criteria: ACMG Guidelines, 2015. Collection method: not provided. Allele origin: germline. Inheritance: Autosomal recessive inheritance. Affected: yes.